The following is an entry in ClinVar:

ClinVar aggregate classification (germline): Uncertain significance (1 of 4 stars; one submission).

Conditions:
Cardiovascular phenotype. Identifiers: MedGen CN230736.

Submission:

Ambry Genetics
Classification: Uncertain significance for Cardiovascular phenotype. Last evaluated: 2026-05-28. Review status: criteria provided, single submitter. Criteria: Ambry Variant Classification Scheme 2023. Collection method: clinical testing. Allele origin: germline.
Comment: The p.K317T variant (also known as c.950A>C), located in coding exon 9 of the PTPN11 gene, results from an A to C substitution at nucleotide position 950. The lysine at codon 317 is replaced by threonine, an amino acid with similar properties. This amino acid position is conserved. In addition, the in silico prediction for this alteration is inconclusive. Based on the available evidence, the clinical significance of this variant remains unclear.

NM_002834.5(PTPN11):c.950A>C (p.Lys317Thr)

Gene: PTPN11 (protein tyrosine phosphatase non-receptor type 11; plus strand). Cytogenetic location: 12q24.13.
Variant type: single nucleotide variant.
Coding change: c.950A>C on transcript NM_002834.5 (MANE Select); coding-DNA position 950, A replaced by C.
Protein change: p.Lys317Thr; replaces lysine 317 with threonine.
Molecular consequence: missense variant.
Genome position (GRCh38, 1-based): chr12:112,477,873, A>C. VCF-style: chr12-112477873-A-C. GRCh37 (hg19) VCF-style: chr12-112915677-A-C.
Other names: c.950A>C, p.Lys317Thr (NM_001330437.2, NM_080601.3); c.947A>C, p.Lys316Thr (NM_001374625.1); short protein forms K316T, K317T.
Identifiers: ClinVar variation 4862773 (VCV004862773.1).